The following is an entry in ClinVar:

ClinVar aggregate classification (germline): Conflicting classifications of pathogenicity. Review status: criteria provided, conflicting classifications (1 of 4 stars). 3 submissions from 3 submitters: Uncertain significance (1); Benign (1); Likely benign (1). Last evaluated 2026-01-26.

Conditions:
Familial adenomatous polyposis 1 (FAP1). Also called: FAMILIAL ADENOMATOUS POLYPOSIS 1, ATTENUATED; POLYPOSIS, ADENOMATOUS INTESTINAL. Identifiers: MedGen C2713442, MONDO:0021056, OMIM 175100. Disease mechanism: loss of function.

Allele frequency attached by ClinVar (database versions not stated): TOPMed 0.00041; gnomAD 0.00043 and 0.00038; 1000 Genomes Project 30x 0.00031.
gnomAD v4.1: 75 of 575,058 alleles (0.013%); highest among the groups gnomAD compares: African/African-American, 0.12%; no homozygotes.

Submissions (3):

Labcorp Genetics (formerly Invitae), Labcorp
Classification: Benign for Familial adenomatous polyposis 1. Last evaluated: 2026-01-26. Review status: criteria provided, single submitter. Criteria: Invitae Variant Classification Sherloc (09022015). Collection method: clinical testing. Allele origin: germline.

Center for Genomic Medicine, Rigshospitalet, Copenhagen University Hospital
Classification: Uncertain significance. Last evaluated: 2025-03-04. Review status: criteria provided, single submitter. Criteria: ACMG Guidelines, 2015. Collection method: clinical testing. Allele origin: germline.

CeGaT Center for Human Genetics Tuebingen
Classification: Likely benign. Last evaluated: 2023-09-01. Review status: criteria provided, single submitter. Criteria: CeGaT Center For Human Genetics Tuebingen Variant Classification Criteria Version 2. Collection method: clinical testing. Allele origin: germline. Affected: yes. Observed: 1 variant allele.
Comment: APC: BS1

Literature cited by the submitters: PubMed 27087319 (cited by Center for Genomic Medicine, Rigshospitalet, Copenhagen University Hospital).

NM_001127511.3(APC):c.-166C>T

Gene: APC (APC regulator of Wnt signaling pathway; plus strand). Cytogenetic location: 5q22.2.
Variant type: single nucleotide variant.
Coding change: c.-166C>T on transcript NM_001127511.3; 166 bases upstream of the start codon, C replaced by T.
Molecular consequence: 5 prime UTR variant. On other transcripts: non-coding transcript variant (2).
Genome position (GRCh38, 1-based): chr5:112,707,552, C>T. VCF-style: chr5-112707552-C-T. GRCh37 (hg19) VCF-style: chr5-112043249-C-T.
Other names: c.-349C>T (NM_001354895.2, NM_001407447.1, NM_001407452.1 and 3 more transcripts); c.-166C>T (NM_001354897.2, NM_001354902.2, NM_001407446.1); c.-116C>T (NM_001407448.1, NM_001407450.1, NM_001407457.1 and 1 more transcripts); c.-140C>T (NM_001407453.1); c.-1384C>T (NM_001407470.1, NM_001407472.1).
Identifiers: ClinVar variation 469848 (VCV000469848.36), dbSNP rs904001781, ClinGen allele CA124924880.